The following is an entry in ClinVar:

NM_000142.5(FGFR3):c.904G>A (p.Gly302Ser)

Gene: FGFR3 (fibroblast growth factor receptor 3; plus strand). Cytogenetic location: 4p16.3.
Variant type: single nucleotide variant.
Coding change: c.904G>A on transcript NM_000142.5 (MANE Select); coding-DNA position 904, G replaced by A.
Protein change: p.Gly302Ser; replaces glycine 302 with serine.
Molecular consequence: missense variant. On other transcripts: non-coding transcript variant (1).
Genome position (GRCh38, 1-based): chr4:1,801,999, G>A. VCF-style: chr4-1801999-G-A. GRCh37 (hg19) VCF-style: chr4-1803726-G-A.
Other names: c.904G>A, p.Gly302Ser (NM_001163213.2, NM_001354809.2, NM_001354810.2 and 1 more transcripts); short protein forms G302S.
Identifiers: ClinVar variation 3713629 (VCV003713629.3).

ClinVar aggregate classification (germline): Uncertain significance. Review status: criteria provided, multiple submitters, no conflicts (2 of 4 stars). 2 submissions from 2 submitters: Uncertain significance (2). Last evaluated 2025-10-16.

Conditions:
FGFR3-related disorder. Also called: FGFR3-related disorders.

gnomAD v4.1: 6 of 1,612,386 alleles (0.00037%); highest among the groups gnomAD compares: Admixed American, 0.0033%; no homozygotes.

Submissions (2):

Labcorp Genetics (formerly Invitae), Labcorp
Classification: Uncertain significance. Last evaluated: 2025-10-16. Review status: criteria provided, single submitter. Criteria: Invitae Variant Classification Sherloc (09022015). Collection method: clinical testing. Allele origin: germline.
Comment: This sequence change replaces glycine, which is neutral and non-polar, with serine, which is neutral and polar, at codon 302 of the FGFR3 protein (p.Gly302Ser). This variant is present in population databases (rs748261686, gnomAD 0.006%). This variant has not been reported in the literature in individuals affected with FGFR3-related conditions. ClinVar contains an entry for this variant (Variation ID: 3713629). Invitae Evidence Modeling of protein sequence and biophysical properties (such as structural, functional, and spatial information, amino acid conservation, physicochemical variation, residue mobility, and thermodynamic stability) has been performed for this missense variant. However, the output from this modeling did not meet the statistical confidence thresholds required to predict the impact of this variant on FGFR3 protein function. In summary, the available evidence is currently insufficient to determine the role of this variant in disease. Therefore, it has been classified as a Variant of Uncertain Significance.

PreventionGenetics, part of Exact Sciences
Classification: Uncertain significance for FGFR3-related condition. Last evaluated: 2025-09-09. Review status: criteria provided, single submitter. Criteria: ACMG Guidelines, 2015. Collection method: clinical testing. Allele origin: germline.
Comment: The FGFR3 c.904G>A variant is predicted to result in the amino acid substitution p.Gly302Ser. To our knowledge, this variant has not been reported in the literature. This variant is reported in 0.0057% of alleles in individuals of Latino descent in gnomAD. At this time, the clinical significance of this variant is uncertain due to the absence of conclusive functional and genetic evidence.